The following is an entry in ClinVar:

ClinVar aggregate classification (germline): Uncertain significance (1 of 4 stars; one submission).

Conditions:
Spermatogenic failure 18. Identifiers: MedGen C4539783, MONDO:0054615, OMIM 617576.
Ciliary dyskinesia, primary, 37 (CILD37). Also called: CILIARY DYSKINESIA, PRIMARY, 37, WITH OR WITHOUT SITUS INVERSUS. Identifiers: MedGen C4539798, MONDO:0033204, OMIM 617577.

Allele frequency attached by ClinVar (database versions not stated): ExAC below 0.00001; gnomAD exomes 0.00001; TOPMed 0.00002; gnomAD 0.00003 and 0.00004.
gnomAD v4.1: 38 of 1,577,544 alleles (0.0024%); highest among the groups gnomAD compares: African/African-American, 0.0054%; no homozygotes.

Submission:

Labcorp Genetics (formerly Invitae), Labcorp
Classification: Uncertain significance for Ciliary dyskinesia, primary, 37; Spermatogenic failure 18. Last evaluated: 2021-08-30. Review status: criteria provided, single submitter. Criteria: Invitae Variant Classification Sherloc (09022015). Collection method: clinical testing. Allele origin: germline.
Comment: This sequence change replaces aspartic acid with asparagine at codon 2934 of the DNAH1 protein (p.Asp2934Asn). The aspartic acid residue is highly conserved and there is a small physicochemical difference between aspartic acid and asparagine. The frequency data for this variant in the population databases is considered unreliable, as metrics indicate poor data quality at this position in the ExAC database. This variant has not been reported in the literature in individuals affected with DNAH1-related conditions. Algorithms developed to predict the effect of missense changes on protein structure and function are either unavailable or do not agree on the potential impact of this missense change (SIFT: "Deleterious"; PolyPhen-2: "Probably Damaging"; Align-GVGD: "Class C0"). In summary, the available evidence is currently insufficient to determine the role of this variant in disease. Therefore, it has been classified as a Variant of Uncertain Significance.

NM_015512.5(DNAH1):c.8800G>A (p.Asp2934Asn)

Gene: DNAH1 (dynein axonemal heavy chain 1; plus strand). Cytogenetic location: 3p21.1.
Variant type: single nucleotide variant.
Coding change: c.8800G>A on transcript NM_015512.5 (MANE Select); coding-DNA position 8800, G replaced by A.
Protein change: p.Asp2934Asn; replaces aspartic acid 2934 with asparagine.
Molecular consequence: missense variant.
Genome position (GRCh38, 1-based): chr3:52,386,334, G>A. VCF-style: chr3-52386334-G-A. GRCh37 (hg19) VCF-style: chr3-52420350-G-A.
Other names: short protein forms D2934N.
Identifiers: ClinVar variation 568807 (VCV000568807.3), dbSNP rs775233870, ClinGen allele CA2435322.